The following is an entry in ClinVar:

ClinVar aggregate classification (germline): Uncertain significance (1 of 4 stars; one submission).

Conditions:
Dyskeratosis congenita. Identifiers: Orphanet 1775, MedGen C0265965, MONDO:0015780.

Submission:

Labcorp Genetics (formerly Invitae), Labcorp
Classification: Uncertain significance for Dyskeratosis congenita. Last evaluated: 2023-09-08. Review status: criteria provided, single submitter. Criteria: Invitae Variant Classification Sherloc (09022015). Collection method: clinical testing. Allele origin: germline.
Comment: This variant has not been reported in the literature in individuals affected with DKC1-related conditions. In summary, the available evidence is currently insufficient to determine the role of this variant in disease. Therefore, it has been classified as a Variant of Uncertain Significance. Algorithms developed to predict the effect of sequence changes on RNA splicing suggest that this variant may create or strengthen a splice site. Advanced modeling of protein sequence and biophysical properties (such as structural, functional, and spatial information, amino acid conservation, physicochemical variation, residue mobility, and thermodynamic stability) performed at Invitae indicates that this missense variant is not expected to disrupt DKC1 protein function. This variant is not present in population databases (gnomAD no frequency). This sequence change replaces isoleucine, which is neutral and non-polar, with valine, which is neutral and non-polar, at codon 30 of the DKC1 protein (p.Ile30Val).

NM_001363.5(DKC1):c.88A>G (p.Ile30Val)

Gene: DKC1 (dyskerin pseudouridine synthase 1; plus strand). Cytogenetic location: Xq28.
Variant type: single nucleotide variant.
Coding change: c.88A>G on transcript NM_001363.5 (MANE Select); coding-DNA position 88, A replaced by G.
Protein change: p.Ile30Val; replaces isoleucine 30 with valine.
Molecular consequence: missense variant. On other transcripts: non-coding transcript variant (3).
Genome position (GRCh38, 1-based): chrX:154,765,447, A>G. VCF-style: chrX-154765447-A-G. GRCh37 (hg19) VCF-style: chrX-153993722-A-G.
Other names: c.88A>G, p.Ile30Val (NM_001142463.3, NM_001288747.2); short protein forms I30V.
Identifiers: ClinVar variation 2887970 (VCV002887970.3), dbSNP rs2523679176, ClinGen allele CA414888829.